The following is an entry in ClinVar:

ClinVar aggregate classification (germline): Conflicting classifications of pathogenicity. Review status: criteria provided, conflicting classifications (1 of 4 stars). 2 submissions from 2 submitters: Likely pathogenic (1); Uncertain significance (1). Last evaluated 2019-10-17.

Conditions:
Severe myoclonic epilepsy in infancy (DRVT). Also called: Dravet syndrome; DEVELOPMENTAL AND EPILEPTIC ENCEPHALOPATHY 6A; Severe Myoclonic Epilepsy in Infancy (SMEI); Epileptic encephalopathy, early infantile, 6 (Dravet syndrome); SEVERE MYOCLONIC EPILEPSY OF INFANCY. Identifiers: Orphanet 33069, MedGen C0751122, MONDO:0100135, OMIM 607208.
Generalized epilepsy with febrile seizures plus, type 2 (GEFSP2). Also called: GEFS+, TYPE 2. Identifiers: Orphanet 36387, MedGen C1858673, MONDO:0011461, OMIM 604403.
Migraine, familial hemiplegic, 3. Identifiers: Orphanet 569, MedGen C1864987, MONDO:0012320, OMIM 609634.
Developmental and epileptic encephalopathy 6B. Also called: Developmental and epileptic encephalopathy 6B, non-Dravet. Identifiers: MedGen C5543353, MONDO:0030268, OMIM 619317.

Submissions (2):

Institute of Human Genetics, University of Leipzig Medical Center
Classification: Likely pathogenic for Severe myoclonic epilepsy in infancy. Last evaluated: 2019-10-17. Review status: criteria provided, single submitter. Criteria: ACMG Guidelines, 2015. Collection method: clinical testing. Allele origin: de novo. Affected: yes.
Comment: The variant was identified as de novo (maternity and paternity confirmed)

Juno Genomics, Hangzhou Juno Genomics, Inc
Classification: Uncertain significance for Developmental and epileptic encephalopathy 6B; Severe myoclonic epilepsy in infancy; Generalized epilepsy with febrile seizures plus, type 2; Migraine, familial hemiplegic, 3. Review status: criteria provided, single submitter. Criteria: ACMG Guidelines, 2015. Collection method: clinical testing. Allele origin: germline. Affected: yes.
Comment: Absent from controls (or at extremely low frequency if recessive) in Genome Aggregation Database, Exome Sequencing Project, 1000 Genomes Project, or Exome Aggregation Consortium.;Multiple lines of computational evidence support a deleterious effect on the gene or gene product (conservation, evolutionary, splicing impact, etc).;De novo (both maternity and paternity confirmed) in a patient with the disease and no family history.

NM_001165963.4(SCN1A):c.2975T>C (p.Leu992Pro)

Gene: SCN1A (sodium voltage-gated channel alpha subunit 1; minus strand). Cytogenetic location: 2q24.3.
Variant type: single nucleotide variant.
Coding change: c.2975T>C on transcript NM_001165963.4 (MANE Select); coding-DNA position 2975, T replaced by C.
Protein change: p.Leu992Pro; replaces leucine 992 with proline.
Molecular consequence: missense variant. On other transcripts: non-coding transcript variant (1).
Genome position (GRCh38, 1-based): chr2:166,036,502, A>G on the plus strand (T>C on the coding strand, the complement: SCN1A is on the minus strand). VCF-style: chr2-166036502-A-G. GRCh37 (hg19) VCF-style: chr2-166893012-A-G.
Other names: c.2891T>C, p.Leu964Pro (NM_001165964.3, NM_001353957.2, NM_001353958.2); c.2975T>C, p.Leu992Pro (NM_001202435.3, NM_001353948.2); c.2942T>C, p.Leu981Pro (NM_001353949.2, NM_001353950.2, NM_001353951.2 and 2 more transcripts); c.2939T>C, p.Leu980Pro (NM_001353954.2, NM_001353955.2); c.2888T>C, p.Leu963Pro (NM_001353960.2); c.533T>C, p.Leu178Pro (NM_001353961.2); c.2975T>C (NM_001165963.3); short protein forms L178P, L963P, L981P, L964P, L980P, L992P.
Identifiers: ClinVar variation 873449 (VCV000873449.3), dbSNP rs1696400496, ClinGen allele CA349060568.
Genomic context (GRCh38, chr2:166,036,502, plus strand): 5'-AGATTATTCATTTCATTATCATCATCAGTGGCTGCAAGGTTGTCTGCACTAAATGAGCTC[A>G]GAAGCAAGGCCAGAAAGAGATTCAGGACCTTAAAAACAACAAAAACATGATTATAATTTT-3'
Protein context (NP_001159435.1, residues 982-1002): VVLNLFLALL[Leu992Pro]SSFSADNLAA